The following is an entry in ClinVar:

ClinVar aggregate classification (germline): Likely pathogenic (1 of 4 stars; one submission).

Conditions:
COACH syndrome 1. Identifiers: Orphanet 1454, MedGen C5435651, MONDO:0800103, OMIM 216360, MONDO:0008996.

gnomAD v4.1: 2 of 1,612,332 alleles (0.00012%); highest among the groups gnomAD compares: Admixed American, 0.0017%; no homozygotes.

Submission:

University of Iowa Renal Genetics Clinic, University of Iowa
Classification: Likely pathogenic for COACH syndrome 1. Last evaluated: 2021-09-24. Review status: criteria provided, single submitter. Criteria: ACMG Guidelines, 2015. Collection method: clinical testing. Allele origin: germline. Inheritance: Autosomal recessive inheritance. Affected: yes. Observed: 1 heterozygote.
Comment: This variant is predicted to result in a single amino acid substitution of Ala to Asp at codon 616 in exon 18 of the TMEM67 gene. Another variant at this position (Ala616Val) has been associated with Joubert syndrome (PubMed: 20232449). This variant has not been associated with a clinical condition in HGMD and has been observed at a frequency of less than 0.01% in the Broad gnomAD dataset. There are no homozygous control individuals for this variant. This variant meets the following ACMG criteria: PM2, PM5, PP2, PP3.

Literature cited by the submitters: PubMed 36617405.

NM_153704.6(TMEM67):c.1847C>A (p.Ala616Asp)

Gene: TMEM67 (transmembrane protein 67; plus strand). Cytogenetic location: 8q22.1.
Variant type: single nucleotide variant.
Coding change: c.1847C>A on transcript NM_153704.6 (MANE Select); coding-DNA position 1847, C replaced by A.
Protein change: p.Ala616Asp; replaces alanine 616 with aspartic acid.
Molecular consequence: missense variant. On other transcripts: non-coding transcript variant (1).
Genome position (GRCh38, 1-based): chr8:93,795,974, C>A. VCF-style: chr8-93795974-C-A. GRCh37 (hg19) VCF-style: chr8-94808202-C-A.
Other names: c.1604C>A, p.Ala535Asp (NM_001142301.1); short protein forms A535D, A616D.
Identifiers: ClinVar variation 1804646 (VCV001804646.4), dbSNP rs757204749, ClinGen allele CA371693112.